The following is an entry in ClinVar:

ClinVar aggregate classification (germline): Uncertain significance (1 of 4 stars; one submission).

Conditions:
Spondylodysplastic Ehlers-Danlos syndrome. Identifiers: Orphanet 536471, Orphanet 75496, MedGen C5680154, MONDO:0007526.

Submission:

Baylor Genetics
Classification: Uncertain significance for Ehlers-Danlos syndrome, spondylodysplastic type, 1. Last evaluated: 2018-10-19. Review status: criteria provided, single submitter. Criteria: ACMG Guidelines, 2015. Collection method: clinical testing. Allele origin: unknown. Affected: yes.
Comment: This variant was determined to be of uncertain significance according to ACMG Guidelines, 2015 [PMID:25741868].

NM_007255.3(B4GALT7):c.959C>A (p.Ala320Asp)

Gene: B4GALT7 (beta-1,4-galactosyltransferase 7; plus strand). Cytogenetic location: 5q35.3.
Variant type: single nucleotide variant.
Coding change: c.959C>A on transcript NM_007255.3 (MANE Select); coding-DNA position 959, C replaced by A.
Protein change: p.Ala320Asp; replaces alanine 320 with aspartic acid.
Molecular consequence: missense variant.
Genome position (GRCh38, 1-based): chr5:177,609,670, C>A. VCF-style: chr5-177609670-C-A. GRCh37 (hg19) VCF-style: chr5-177036671-C-A.
Other names: short protein forms A320D.
Identifiers: ClinVar variation 1033201 (VCV001033201.1), dbSNP rs770222232, ClinGen allele CA362377755.
Genomic context (GRCh38, chr5:177,609,670, plus strand): 5'-TGTCTGTGGGCGGGGCCCCCTGCACTGTCCTCAACATCATGTTGGACTGTGACAAGACCG[C>A]CACACCCTGGTGCACATTCAGCTGAGCTGGATGGACAGTGAGGAAGCCTGTACCTACAGG-3'
Protein context (NP_009186.1, residues 310-327): LNIMLDCDKT[Ala320Asp]TPWCTFS